The following is an entry in ClinVar:

NM_000141.5(FGFR2):c.1632C>G (p.His544Gln)

Gene: FGFR2 (fibroblast growth factor receptor 2; minus strand). Cytogenetic location: 10q26.13.
Variant type: single nucleotide variant.
Coding change: c.1632C>G on transcript NM_000141.5 (MANE Select); coding-DNA position 1632, C replaced by G.
Protein change: p.His544Gln; replaces histidine 544 with glutamine.
Molecular consequence: missense variant. On other transcripts: non-coding transcript variant (1).
Genome position (GRCh38, 1-based): chr10:121,498,535, G>C on the plus strand (C>G on the coding strand, the complement: FGFR2 is on the minus strand). VCF-style: chr10-121498535-G-C. GRCh37 (hg19) VCF-style: chr10-123258049-G-C.
Other names: c.1635C>G, p.His545Gln (NM_001144913.1, NM_022970.4); c.1296C>G, p.His432Gln (NM_001144914.1); c.1365C>G, p.His455Gln (NM_001144915.2, NM_023029.3); c.1287C>G, p.His429Gln (NM_001144916.2); c.1284C>G, p.His428Gln (NM_001144917.2); c.1281C>G, p.His427Gln (NM_001144918.2); c.1368C>G, p.His456Gln (NM_001144919.2); c.948C>G, p.His316Gln (NM_001320654.2); and 1 more; short protein forms H316Q, H427Q, H428Q, H544Q, H432Q, H456Q, H542Q, H545Q.
Identifiers: ClinVar variation 2801080 (VCV002801080.3), dbSNP rs2133973433, ClinGen allele CA378321480.
Genomic context (GRCh38, chr10:121,498,535, plus strand): 5'-CAGTTTTTCCTCCTACTCACCATCCTGTGTGCAGGCTCCAAGAAGATTTATGATATTCTT[G>C]TGTTTCCCAATCATCTTCATCATCTCCATCTCTGACACCAGATCAGAAAGGTCTTTCTCT-3'
Protein context (NP_000132.3, residues 534-554): EMEMMKMIGK[His544Gln]KNIINLLGAC

ClinVar aggregate classification (germline): Uncertain significance (1 of 4 stars; one submission).

Conditions:
FGFR2-related craniosynostosis. Identifiers: MedGen CN231480.

gnomAD v4.1: 1 of 1,613,908 alleles (0.000062%); no homozygotes.

Submission:

Labcorp Genetics (formerly Invitae), Labcorp
Classification: Uncertain significance for FGFR2-related craniosynostosis. Last evaluated: 2025-01-06. Review status: criteria provided, single submitter. Criteria: Invitae Variant Classification Sherloc (09022015). Collection method: clinical testing. Allele origin: germline.
Comment: This sequence change replaces histidine, which is basic and polar, with glutamine, which is neutral and polar, at codon 544 of the FGFR2 protein (p.His544Gln). This variant is not present in population databases (gnomAD no frequency). This variant has not been reported in the literature in individuals affected with FGFR2-related conditions. ClinVar contains an entry for this variant (Variation ID: 2801080). Invitae Evidence Modeling of protein sequence and biophysical properties (such as structural, functional, and spatial information, amino acid conservation, physicochemical variation, residue mobility, and thermodynamic stability) indicates that this missense variant is expected to disrupt FGFR2 protein function with a positive predictive value of 80%. In summary, the available evidence is currently insufficient to determine the role of this variant in disease. Therefore, it has been classified as a Variant of Uncertain Significance.